The following is an entry in ClinVar:

NM_024577.4(SH3TC2):c.*47C>T

Gene: SH3TC2 (SH3 domain and tetratricopeptide repeats 2; minus strand). Cytogenetic location: 5q32.
Variant type: single nucleotide variant.
Coding change: c.*47C>T on transcript NM_024577.4 (MANE Select); 47 bases downstream of the stop codon, C replaced by T.
Molecular consequence: 3 prime UTR variant.
Genome position (GRCh38, 1-based): chr5:149,004,664, G>A on the plus strand (C>T on the coding strand, the complement: SH3TC2 is on the minus strand). VCF-style: chr5-149004664-G-A. GRCh37 (hg19) VCF-style: chr5-148384227-G-A.
Identifiers: ClinVar variation 351894 (VCV000351894.8), dbSNP rs79738100, ClinGen allele CA3498597.

ClinVar aggregate classification (germline): Benign/Likely benign. Review status: criteria provided, multiple submitters, no conflicts (2 of 4 stars). 3 submissions from 2 submitters: Benign (2); Likely benign (1). Last evaluated 2020-08-06.

Conditions:
Charcot-Marie-Tooth disease type 4C (CMT4C). Also called: CHARCOT-MARIE-TOOTH DISEASE, DEMYELINATING, AUTOSOMAL RECESSIVE, TYPE 4C; CMT 4C; Charcot-Marie-Tooth Neuropathy Type 4C (CMT4C); CHARCOT-MARIE-TOOTH DISEASE, DEMYELINATING, TYPE 4C; SH3TC2-Related Hereditary Motor and Sensory Neuropathy. Identifiers: Orphanet 99949, MedGen C1866636, MONDO:0011113, OMIM 601596.
Susceptibility to mononeuropathy of the median nerve, mild. Also called: CARPAL TUNNEL SYNDROME, SUSCEPTIBILITY TO. Identifiers: MedGen C3150596, MONDO:0013237, OMIM 613353.

Allele frequency attached by ClinVar (database versions not stated): gnomAD exomes 0.00042 and 0.00125; ExAC 0.00158; gnomAD 0.00457 and 0.00493; TOPMed 0.00503; ESP Exome Variant Server 0.00546; 1000 Genomes Project 0.00639; 1000 Genomes Project 30x 0.00718.
gnomAD v4.1: 1,309 of 1,602,316 alleles (0.082%); highest among the groups gnomAD compares: African/African-American, 1.6%; 11 homozygotes.

Submissions (3):

GeneDx
Classification: Likely benign. Last evaluated: 2020-08-06. Review status: criteria provided, single submitter. Criteria: GeneDx Variant Classification Process June 2021. Collection method: clinical testing. Allele origin: germline. Affected: yes.

Illumina Laboratory Services, Illumina
Classification: Benign for Susceptibility to mononeuropathy of the median nerve, mild. Last evaluated: 2018-01-13. Review status: criteria provided, single submitter. Criteria: ICSL Variant Classification Criteria 13 December 2019. Collection method: clinical testing. Allele origin: germline.
Comment: This variant was observed in the ICSL laboratory as part of a predisposition screen in an ostensibly healthy population. It had not been previously curated by ICSL or reported in the Human Gene Mutation Database (HGMD: prior to June 1st, 2018), and was therefore a candidate for classification through an automated scoring system. Utilizing variant allele frequency, disease prevalence and penetrance estimates, and inheritance mode, an automated score was calculated to assess if this variant is too frequent to cause the disease. Based on the score and internal cut-off values, a variant classified as benign is not then subjected to further curation. The score for this variant resulted in a classification of benign for this disease.

Illumina Laboratory Services, Illumina
Classification: Benign for Charcot-Marie-Tooth disease type 4C. Last evaluated: 2018-01-13. Review status: criteria provided, single submitter. Criteria: ICSL Variant Classification Criteria 13 December 2019. Collection method: clinical testing. Allele origin: germline.
Comment: the same text as in the submission from Illumina Laboratory Services, Illumina above.